The following is an entry in ClinVar:

NM_005228.5(EGFR):c.2094T>C (p.Ala698=)

Gene: EGFR (epidermal growth factor receptor; plus strand). Cytogenetic location: 7p11.2.
Variant type: single nucleotide variant.
Coding change: c.2094T>C on transcript NM_005228.5 (MANE Select); coding-DNA position 2094, T replaced by C.
Protein change: p.Ala698=; no amino-acid change (alanine 698 retained).
Molecular consequence: synonymous variant.
Genome position (GRCh38, 1-based): chr7:55,173,953, T>C. VCF-style: chr7-55173953-T-C. GRCh37 (hg19) VCF-style: chr7-55241646-T-C.
Other names: c.2094T>C (NM_005228.3); c.1959T>C, p.Ala653= (NM_001346897.2, NM_001346899.2); c.2094T>C, p.Ala698= (NM_001346898.2); c.1935T>C, p.Ala645= (NM_001346900.2); c.1293T>C, p.Ala431= (NM_001346941.2).
Identifiers: ClinVar variation 1138107 (VCV001138107.11), dbSNP rs370409092, ClinGen allele CA4265977.

ClinVar aggregate classification (germline): Benign/Likely benign. Review status: criteria provided, multiple submitters, no conflicts (2 of 4 stars). 3 submissions from 3 submitters: Benign (1); Likely benign (2). Last evaluated 2026-01-27.

Conditions:
EGFR-related lung cancer (EGFR). Identifiers: MedGen CN130014.
Lung cancer. Also called: Malignant tumor of lung; Lung cancer, somatic. Identifiers: MedGen C0242379, MONDO:0008903, OMIM 211980.
Hereditary cancer-predisposing syndrome. Also called: Hereditary neoplastic syndrome; Hereditary Cancer Syndrome; Tumor predisposition; Neoplastic Syndromes, Hereditary. Identifiers: Orphanet 140162, MedGen C0027672, MeSH D009386, MONDO:0015356.

Allele frequency attached by ClinVar (database versions not stated): gnomAD exomes below 0.00001 and 0.00001; ExAC 0.00002; ESP Exome Variant Server 0.00008; gnomAD 0.00009; TOPMed 0.00010.
gnomAD v4.1: 18 of 1,614,058 alleles (0.0011%); highest among the groups gnomAD compares: African/African-American, 0.023%; no homozygotes.

Submissions (3):

Labcorp Genetics (formerly Invitae), Labcorp
Classification: Likely benign for EGFR-related lung cancer. Last evaluated: 2026-01-27. Review status: criteria provided, single submitter. Criteria: Invitae Variant Classification Sherloc (09022015). Collection method: clinical testing. Allele origin: germline.

Ambry Genetics
Classification: Likely benign for Hereditary cancer-predisposing syndrome. Last evaluated: 2024-12-02. Review status: criteria provided, single submitter. Criteria: Ambry Variant Classification Scheme 2023. Collection method: clinical testing. Allele origin: germline.

Myriad Genetics, Inc.
Classification: Benign for Lung cancer. Last evaluated: 2024-10-16. Review status: criteria provided, single submitter. Criteria: Myriad Autosomal Dominant, Autosomal Recessive and X-Linked Classification Criteria (2023). Collection method: clinical testing. Allele origin: unknown.
Comment: This variant is considered benign. This variant is a silent/synonymous amino acid change and it is not expected to impact splicing.